The following is an entry in ClinVar:

NM_001330260.2(SCN8A):c.5538C>A (p.Asp1846Glu)

Gene: SCN8A (sodium voltage-gated channel alpha subunit 8; plus strand). Cytogenetic location: 12q13.13.
Variant type: single nucleotide variant.
Coding change: c.5538C>A on transcript NM_001330260.2 (MANE Select); coding-DNA position 5538, C replaced by A.
Protein change: p.Asp1846Glu; replaces aspartic acid 1846 with glutamic acid.
Molecular consequence: missense variant.
Genome position (GRCh38, 1-based): chr12:51,807,024, C>A. VCF-style: chr12-51807024-C-A. GRCh37 (hg19) VCF-style: chr12-52200808-C-A.
Other names: c.5415C>A, p.Asp1805Glu (NM_001177984.3, NM_001369788.1); c.5538C>A, p.Asp1846Glu (NM_014191.4); short protein forms D1805E, D1846E.
Identifiers: ClinVar variation 1056257 (VCV001056257.10), dbSNP rs1938721157, ClinGen allele CA384887325.

ClinVar aggregate classification (germline): Likely pathogenic (1 of 4 stars; one submission).

Conditions:
Early-infantile DEE. Also called: Ohtahara syndrome; Early infantile epileptic encephalopathy with suppression bursts; Early infantile epileptic encephalopathy. Identifiers: Orphanet 1934, MedGen C0393706, MONDO:0800491.

Submission:

Labcorp Genetics (formerly Invitae), Labcorp
Classification: Likely pathogenic for Early-infantile DEE. Last evaluated: 2023-08-25. Review status: criteria provided, single submitter. Criteria: Invitae Variant Classification Sherloc (09022015). Collection method: clinical testing. Allele origin: germline.
Comment: This variant is not present in population databases (gnomAD no frequency). This sequence change replaces aspartic acid, which is acidic and polar, with glutamic acid, which is acidic and polar, at codon 1846 of the SCN8A protein (p.Asp1846Glu). This missense change has been observed in individual(s) with SCN8A-related conditions (Invitae). In at least one individual the variant was observed to be de novo. ClinVar contains an entry for this variant (Variation ID: 1056257). Advanced modeling of protein sequence and biophysical properties (such as structural, functional, and spatial information, amino acid conservation, physicochemical variation, residue mobility, and thermodynamic stability) has been performed at Invitae for this missense variant, however the output from this modeling did not meet the statistical confidence thresholds required to predict the impact of this variant on SCN8A protein function. In summary, the currently available evidence indicates that the variant is pathogenic, but additional data are needed to prove that conclusively. Therefore, this variant has been classified as Likely Pathogenic.